The following is an entry in ClinVar:

ClinVar aggregate classification (germline): Uncertain significance. Review status: criteria provided, multiple submitters, no conflicts (2 of 4 stars). 2 submissions from 2 submitters: Uncertain significance (2). Last evaluated 2025-11-25.

Conditions:
Gastrointestinal stromal tumor. Also called: Gastrointestinal stromal tumor, somatic; Gastrointestinal stroma tumor. Identifiers: Orphanet 44890, MedGen C0238198, MeSH D046152, MONDO:0011719, OMIM 606764, HP:0100723.
Hereditary cancer-predisposing syndrome. Also called: Neoplastic Syndromes, Hereditary; Tumor predisposition; Hereditary Cancer Syndrome; Hereditary neoplastic syndrome. Identifiers: Orphanet 140162, MedGen C0027672, MeSH D009386, MONDO:0015356.

Submissions (2):

Ambry Genetics
Classification: Uncertain significance for Hereditary cancer-predisposing syndrome. Last evaluated: 2025-11-25. Review status: criteria provided, single submitter. Criteria: Ambry Variant Classification Scheme 2023. Collection method: clinical testing. Allele origin: germline.
Comment: The p.A663T variant (also known as c.1987G>A), located in coding exon 13 of the PDGFRA gene, results from a G to A substitution at nucleotide position 1987. The alanine at codon 663 is replaced by threonine, an amino acid with similar properties. This amino acid position is conserved. In addition, this alteration is predicted to be deleterious by in silico analysis. Based on the available evidence, the clinical significance of this variant remains unclear.

Labcorp Genetics (formerly Invitae), Labcorp
Classification: Uncertain significance for Gastrointestinal stromal tumor. Last evaluated: 2022-12-30. Review status: criteria provided, single submitter. Criteria: Invitae Variant Classification Sherloc (09022015). Collection method: clinical testing. Allele origin: germline.
Comment: This sequence change replaces alanine, which is neutral and non-polar, with threonine, which is neutral and polar, at codon 663 of the PDGFRA protein (p.Ala663Thr). This variant is not present in population databases (gnomAD no frequency). This variant has not been reported in the literature in individuals affected with PDGFRA-related conditions. Advanced modeling of protein sequence and biophysical properties (such as structural, functional, and spatial information, amino acid conservation, physicochemical variation, residue mobility, and thermodynamic stability) performed at Invitae indicates that this missense variant is not expected to disrupt PDGFRA protein function. In summary, the available evidence is currently insufficient to determine the role of this variant in disease. Therefore, it has been classified as a Variant of Uncertain Significance.

NM_006206.6(PDGFRA):c.1987G>A (p.Ala663Thr)

Gene: PDGFRA (platelet derived growth factor receptor alpha; plus strand). Cytogenetic location: 4q12.
Variant type: single nucleotide variant.
Coding change: c.1987G>A on transcript NM_006206.6 (MANE Select); coding-DNA position 1987, G replaced by A.
Protein change: p.Ala663Thr; replaces alanine 663 with threonine.
Molecular consequence: missense variant.
Genome position (GRCh38, 1-based): chr4:54,277,991, G>A. VCF-style: chr4-54277991-G-A. GRCh37 (hg19) VCF-style: chr4-55144158-G-A.
Other names: c.1987G>A, p.Ala663Thr (NM_001347827.2, NM_001347829.2); c.2062G>A, p.Ala688Thr (NM_001347828.2); c.2026G>A, p.Ala676Thr (NM_001347830.2); short protein forms A663T, A676T, A688T.
Identifiers: ClinVar variation 2802087 (VCV002802087.3), dbSNP rs2110312150, ClinGen allele CA356893769.